The following is an entry in ClinVar:

ClinVar aggregate classification (germline): Conflicting classifications of pathogenicity. Review status: criteria provided, conflicting classifications (1 of 4 stars). 5 submissions from 5 submitters: Uncertain significance (2); Likely benign (2). 1 of the submissions does not count toward it. Last evaluated 2025-06-17.

Conditions:
KCNMA1-related disorder. Also called: KCNMA1-related disorders; KCNMA1-related condition.
Generalized epilepsy-paroxysmal dyskinesia syndrome (PNKD3). Also called: Generalized epilepsy and paroxysmal dyskinesia; Paroxysmal nonkinesigenic dyskinesia, 3, with or without generalized epilepsy. Identifiers: Orphanet 79137, MedGen C5574945, MONDO:0012276, OMIM 609446.

Allele frequency attached by ClinVar (database versions not stated): gnomAD exomes 0.00002 and 0.00005; ExAC 0.00011; gnomAD 0.00015 and 0.00018; 1000 Genomes Project 30x 0.00016; 1000 Genomes Project 0.00020; TOPMed 0.00020; ESP Exome Variant Server 0.00023.
gnomAD v4.1: 50 of 1,613,234 alleles (0.0031%); highest among the groups gnomAD compares: African/African-American, 0.06%; no homozygotes.

Submissions (5):

Labcorp Genetics (formerly Invitae), Labcorp
Classification: Likely benign for Generalized epilepsy-paroxysmal dyskinesia syndrome. Last evaluated: 2025-06-17. Review status: criteria provided, single submitter. Criteria: Invitae Variant Classification Sherloc (09022015). Collection method: clinical testing. Allele origin: germline.

GeneDx
Classification: Uncertain significance. Last evaluated: 2023-05-12. Review status: criteria provided, single submitter. Criteria: GeneDx Variant Classification Process June 2021. Collection method: clinical testing. Allele origin: germline. Affected: yes.
Comment: In silico analysis supports that this variant does not alter splicing; Has not been previously published as germline pathogenic or benign to our knowledge; This variant is associated with the following publications: (PMID: 25822088)

CeGaT Center for Human Genetics Tuebingen
Classification: Likely benign. Last evaluated: 2023-04-01. Review status: criteria provided, single submitter. Criteria: CeGaT Center For Human Genetics Tuebingen Variant Classification Criteria Version 2. Collection method: clinical testing. Allele origin: germline. Affected: yes. Observed: 1 variant allele.
Comment: KCNMA1: BP4, BP7

Eurofins Ntd Llc (ga)
Classification: Uncertain significance. Last evaluated: 2015-05-05. Review status: criteria provided, single submitter. Criteria: EGL Classification Definitions 2015. Collection method: clinical testing. Allele origin: germline. Observed: 1 variant allele, 1 heterozygote.

PreventionGenetics, part of Exact Sciences
Classification: Likely benign for KCNMA1-related condition. Last evaluated: 2019-09-09. Review status: no assertion criteria provided. Collection method: clinical testing. Allele origin: germline. Not counted in ClinVar's aggregate classification.
Comment: This variant is classified as likely benign based on ACMG/AMP sequence variant interpretation guidelines (Richards et al. 2015 PMID: 25741868, with internal and published modifications).

NM_001161352.2(KCNMA1):c.192C>G (p.Pro64=)

Gene: KCNMA1 (potassium calcium-activated channel subfamily M alpha 1; minus strand). Cytogenetic location: 10q22.3.
Variant type: single nucleotide variant.
Coding change: c.192C>G on transcript NM_001161352.2 (MANE Select); coding-DNA position 192, C replaced by G.
Protein change: p.Pro64=; no amino-acid change (proline 64 retained).
Molecular consequence: synonymous variant.
Genome position (GRCh38, 1-based): chr10:77,637,451, G>C on the plus strand (C>G on the coding strand, the complement: KCNMA1 is on the minus strand). VCF-style: chr10-77637451-G-C. GRCh37 (hg19) VCF-style: chr10-79397209-G-C.
Other names: c.192C>G, p.Pro64= (NM_001014797.3, NM_001161353.2, NM_001271518.2 and 12 more transcripts); c.192C>G (NM_002247.3).
Identifiers: ClinVar variation 193227 (VCV000193227.39), dbSNP rs143562140, ClinGen allele CA238744.